The following is an entry in ClinVar:

NM_005633.4(SOS1):c.670A>G (p.Lys224Glu)

Gene: SOS1 (SOS Ras/Rac guanine nucleotide exchange factor 1; minus strand). Cytogenetic location: 2p22.1.
Variant type: single nucleotide variant.
Coding change: c.670A>G on transcript NM_005633.4 (MANE Select); coding-DNA position 670, A replaced by G.
Protein change: p.Lys224Glu; replaces lysine 224 with glutamic acid.
Molecular consequence: missense variant.
Genome position (GRCh38, 1-based): chr2:39,054,664, T>C on the plus strand (A>G on the coding strand, the complement: SOS1 is on the minus strand). VCF-style: chr2-39054664-T-C. GRCh37 (hg19) VCF-style: chr2-39281805-T-C.
Other names: c.649A>G, p.Lys217Glu (NM_001382394.1); c.670A>G, p.Lys224Glu (NM_001382395.1); short protein forms K224E, K217E.
Identifiers: ClinVar variation 897891 (VCV000897891.15), dbSNP rs889231089, ClinGen allele CA46013326.

ClinVar aggregate classification (germline): Uncertain significance. Review status: criteria provided, multiple submitters, no conflicts (2 of 4 stars). 8 submissions from 6 submitters: Uncertain significance (8). Last evaluated 2025-06-29.

Conditions:
Fibromatosis, gingival, 1 (GINGF1). Identifiers: Orphanet 2024, MedGen C4551558, MONDO:0007609, OMIM 135300.
Noonan syndrome 4 (NS4). Also called: SOS1-Related Noonan Syndrome; NOONAN SYNDROME WITH PIGMENTED VILLONODULAR SYNOVITIS. Identifiers: Orphanet 648, MedGen C1853120, MONDO:0012547, OMIM 610733.
RASopathy. Also called: Noonan spectrum disorder; rasopathies. Identifiers: Orphanet 536391, MedGen C5555857, MONDO:0021060.

Allele frequency attached by ClinVar (database versions not stated): gnomAD exomes below 0.00001 and 0.00001.
gnomAD v4.1: 10 of 1,597,982 alleles (0.00063%); highest among the groups gnomAD compares: Non-Finnish European, 0.00077%; no homozygotes.

Submissions (8):

Labcorp Genetics (formerly Invitae), Labcorp
Classification: Uncertain significance for RASopathy. Last evaluated: 2025-06-29. Review status: criteria provided, single submitter. Criteria: Invitae Variant Classification Sherloc (09022015). Collection method: clinical testing. Allele origin: germline.
Comment: This sequence change replaces lysine, which is basic and polar, with glutamic acid, which is acidic and polar, at codon 224 of the SOS1 protein (p.Lys224Glu). This variant is present in population databases (no rsID available, gnomAD 0.0009%). This variant has not been reported in the literature in individuals affected with SOS1-related conditions. ClinVar contains an entry for this variant (Variation ID: 897891). Invitae Evidence Modeling of protein sequence and biophysical properties (such as structural, functional, and spatial information, amino acid conservation, physicochemical variation, residue mobility, and thermodynamic stability) has been performed for this missense variant. However, the output from this modeling did not meet the statistical confidence thresholds required to predict the impact of this variant on SOS1 protein function. In summary, the available evidence is currently insufficient to determine the role of this variant in disease. Therefore, it has been classified as a Variant of Uncertain Significance.

Blueprint Genetics
Classification: Uncertain significance. Last evaluated: 2021-06-10. Review status: criteria provided, single submitter. Criteria: ACMG Guidelines, 2015. Collection method: clinical testing. Allele origin: germline.

Women's Health and Genetics/Laboratory Corporation of America, LabCorp
Classification: Uncertain significance. Last evaluated: 2019-06-24. Review status: criteria provided, single submitter. Criteria: LabCorp Variant Classification Summary - May 2015. Collection method: clinical testing. Allele origin: germline.
Comment: Variant summary: SOS1 c.670A>G (p.Lys224Glu) results in a conservative amino acid change located in the Dbl homology (DH) domain of the encoded protein sequence. Four of five in-silico tools predict a damaging effect of the variant on protein function. The variant allele was found at a frequency of 4e-06 in 251010 control chromosomes. The available data on variant occurrences in the general population are insufficient to allow any conclusion about variant significance. To our knowledge, no occurrence of c.670A>G in individuals affected with Noonan Syndrome and Related Conditions and no experimental evidence demonstrating its impact on protein function have been reported. No clinical diagnostic laboratories have submitted clinical-significance assessments for this variant to ClinVar after 2014. Based on the evidence outlined above, the variant was classified as uncertain significance.

GeneDx
Classification: Uncertain significance. Last evaluated: 2019-04-15. Review status: criteria provided, single submitter. Criteria: GeneDx Variant Classification Process June 2021. Collection method: clinical testing. Allele origin: germline. Affected: yes.
Comment: The majority of missense variants in this gene are considered pathogenic (Stenson et al., 2014); In silico analysis, which includes protein predictors and evolutionary conservation, supports a deleterious effect; Has not been previously published as pathogenic or benign to our knowledge

Illumina Laboratory Services, Illumina
Classification: Uncertain significance for Noonan syndrome 4. Last evaluated: 2017-04-27. Review status: criteria provided, single submitter. Criteria: ICSL Variant Classification Criteria 13 December 2019. Collection method: clinical testing. Allele origin: germline.

Illumina Laboratory Services, Illumina
Classification: Uncertain significance for Fibromatosis, gingival, 1. Last evaluated: 2017-04-27. Review status: criteria provided, single submitter. Criteria: ICSL Variant Classification Criteria 13 December 2019. Collection method: clinical testing. Allele origin: germline.

Genome-Nilou Lab
Classification: Uncertain significance for Noonan syndrome 4. Review status: criteria provided, single submitter. Criteria: ACMG Guidelines, 2015. Collection method: clinical testing. Allele origin: germline.

Genome-Nilou Lab
Classification: Uncertain significance for Fibromatosis, gingival, 1. Review status: criteria provided, single submitter. Criteria: ACMG Guidelines, 2015. Collection method: clinical testing. Allele origin: germline.